The following is an entry in ClinVar:

ClinVar aggregate classification (germline): Uncertain significance (1 of 4 stars; one submission).

Conditions:
Bardet-Biedl syndrome (BBS). Identifiers: Orphanet 110, MedGen C0752166, MONDO:0015229.

Submission:

Labcorp Genetics (formerly Invitae), Labcorp
Classification: Uncertain significance for Bardet-Biedl syndrome. Last evaluated: 2021-07-26. Review status: criteria provided, single submitter. Criteria: Invitae Variant Classification Sherloc (09022015). Collection method: clinical testing. Allele origin: germline.
Comment: In summary, the available evidence is currently insufficient to determine the role of this variant in disease. Therefore, it has been classified as a Variant of Uncertain Significance. Algorithms developed to predict the effect of missense changes on protein structure and function (SIFT, PolyPhen-2, Align-GVGD) all suggest that this variant is likely to be tolerated. This variant has not been reported in the literature in individuals affected with WDPCP-related conditions. This variant is not present in population databases (ExAC no frequency). This sequence change replaces valine with isoleucine at codon 308 of the WDPCP protein (p.Val308Ile). The valine residue is moderately conserved and there is a small physicochemical difference between valine and isoleucine.

NM_015910.7(WDPCP):c.922G>A (p.Val308Ile)

Gene: WDPCP (WD repeat containing planar cell polarity effector; minus strand). Cytogenetic location: 2p15.
Variant type: single nucleotide variant.
Coding change: c.922G>A on transcript NM_015910.7 (MANE Select); coding-DNA position 922, G replaced by A.
Protein change: p.Val308Ile; replaces valine 308 with isoleucine.
Molecular consequence: missense variant. On other transcripts: non-coding transcript variant (3).
Genome position (GRCh38, 1-based): chr2:63,404,561, C>T on the plus strand (G>A on the coding strand, the complement: WDPCP is on the minus strand). VCF-style: chr2-63404561-C-T. GRCh37 (hg19) VCF-style: chr2-63631696-C-T.
Other names: c.445G>A, p.Val149Ile (NM_001042692.3); c.850G>A, p.Val284Ile (NM_001354044.2); c.922G>A, p.Val308Ile (NM_001354045.2); short protein forms V149I, V284I, V308I.
Identifiers: ClinVar variation 1521750 (VCV001521750.8), dbSNP rs2105192919, ClinGen allele CA347065531.
Genomic context (GRCh38, chr2:63,404,561, plus strand): 5'-ACTGGATTTTATTCCGAATGCATTCATAGATGCAGCTGTCAGCCATGGGCTCTTTGTCTA[C>T]ACTTACGGAGTGCTCCACTGTGAACACCTGATAAGGCTGTTTGGTGCCAAAGCGAACATC-3'
Protein context (NP_056994.3, residues 298-318): QVFTVEHSVS[Val308Ile]DKEPMADSCI